The following is an entry in ClinVar:

NM_000062.3(SERPING1):c.1237A>G (p.Met413Val)

Gene: SERPING1 (serpin family G member 1; plus strand). Cytogenetic location: 11q12.1.
Variant type: single nucleotide variant.
Coding change: c.1237A>G on transcript NM_000062.3 (MANE Select); coding-DNA position 1237, A replaced by G.
Protein change: p.Met413Val; replaces methionine 413 with valine.
Molecular consequence: missense variant.
Genome position (GRCh38, 1-based): chr11:57,611,924, A>G. VCF-style: chr11-57611924-A-G. GRCh37 (hg19) VCF-style: chr11-57379397-A-G.
Other names: c.1237A>G, p.Met413Val (NM_001032295.2); short protein forms M413V.
Identifiers: ClinVar variation 2761563 (VCV002761563.3), dbSNP rs780690190, ClinGen allele CA380703513.
Genomic context (GRCh38, chr11:57,611,924, plus strand): 5'-CCCACTCTCCTAACACTACCCCGCATCAAAGTGACGACCAGCCAGGATATGCTCTCAATC[A>G]TGGAGAAATTGGGTGAGCTCTGGCAGCTTAGGGTTACTCCCAGGCCATCAGAGGAGAAAG-3'
Protein context (NP_000053.2, residues 403-423): VTTSQDMLSI[Met413Val]EKLEFFDFSY

ClinVar aggregate classification (germline): Uncertain significance (1 of 4 stars; one submission).

Submission:

Labcorp Genetics (formerly Invitae), Labcorp
Classification: Uncertain significance. Last evaluated: 2023-09-19. Review status: criteria provided, single submitter. Criteria: Invitae Variant Classification Sherloc (09022015). Collection method: clinical testing. Allele origin: germline.
Comment: This sequence change replaces methionine, which is neutral and non-polar, with valine, which is neutral and non-polar, at codon 413 of the SERPING1 protein (p.Met413Val). In summary, the available evidence is currently insufficient to determine the role of this variant in disease. Therefore, it has been classified as a Variant of Uncertain Significance. Advanced modeling of protein sequence and biophysical properties (such as structural, functional, and spatial information, amino acid conservation, physicochemical variation, residue mobility, and thermodynamic stability) has been performed at Invitae for this missense variant, however the output from this modeling did not meet the statistical confidence thresholds required to predict the impact of this variant on SERPING1 protein function. This variant has not been reported in the literature in individuals affected with SERPING1-related conditions. This variant is not present in population databases (gnomAD no frequency).